The following is an entry in ClinVar:

ClinVar aggregate classification (germline): Pathogenic (1 of 4 stars; one submission).

Allele frequency attached by ClinVar (database versions not stated): gnomAD exomes below 0.00001.
gnomAD v4.1: 5 of 1,610,958 alleles (0.00031%); highest among the groups gnomAD compares: Admixed American, 0.0067%; no homozygotes.

Submission:

Labcorp Genetics (formerly Invitae), Labcorp
Classification: Pathogenic. Last evaluated: 2021-12-12. Review status: criteria provided, single submitter. Criteria: Invitae Variant Classification Sherloc (09022015). Collection method: clinical testing. Allele origin: germline.
Comment: For these reasons, this variant has been classified as Pathogenic. This variant has not been reported in the literature in individuals affected with IFNAR1-related conditions. This variant is present in population databases (no rsID available, gnomAD 0.009%). This sequence change creates a premature translational stop signal (p.Trp277*) in the IFNAR1 gene. It is expected to result in an absent or disrupted protein product. Loss-of-function variants in IFNAR1 are known to be pathogenic (PMID: 31270247, 32960813).

Literature cited by the submitters: PubMed 31270247; PubMed 32960813.

NM_000629.3(IFNAR1):c.831G>A (p.Trp277Ter)

Gene: IFNAR1 (interferon alpha and beta receptor subunit 1; plus strand). Cytogenetic location: 21q22.11.
Variant type: single nucleotide variant.
Coding change: c.831G>A on transcript NM_000629.3 (MANE Select); coding-DNA position 831, G replaced by A.
Protein change: p.Trp277Ter; replaces tryptophan 277 with a stop codon.
Molecular consequence: nonsense.
Genome position (GRCh38, 1-based): chr21:33,349,133, G>A. VCF-style: chr21-33349133-G-A. GRCh37 (hg19) VCF-style: chr21-34721439-G-A.
Other names: c.831G>A, p.Trp277Ter (NM_001384498.1, NM_001384499.1, NM_001384503.1); c.69G>A, p.Trp23Ter (NM_001384500.1); c.816G>A, p.Trp272Ter (NM_001384501.1); c.369G>A, p.Trp123Ter (NM_001384502.1); c.624G>A, p.Trp208Ter (NM_001384504.1); short protein forms W272*, W277*, W23*, W123*, W208*.
Identifiers: ClinVar variation 1911154 (VCV001911154.5), dbSNP rs1191883044, ClinGen allele CA410108283.
Genomic context (GRCh38, chr21:33,349,133, plus strand): 5'-AAATATTTGTCTTAAAAGCGCCTTTTTAAAAAGGAATCCTGGAAACCATTTGTATAAATG[G>A]AAACAAATACCTGACTGTGAAAATGTCAAAACTACCCAGTGTGTCTTTCCTCAAAACGTT-3'